The following is an entry in ClinVar:

NM_014370.4(SRPK3):c.1189C>G (p.Pro397Ala)

Gene: SRPK3 (SRSF protein kinase 3; plus strand). Cytogenetic location: Xq28.
Variant type: single nucleotide variant.
Coding change: c.1189C>G on transcript NM_014370.4 (MANE Select); coding-DNA position 1189, C replaced by G.
Protein change: p.Pro397Ala; replaces proline 397 with alanine.
Molecular consequence: missense variant.
Genome position (GRCh38, 1-based): chrX:153,784,335, C>G. VCF-style: chrX-153784335-C-G. GRCh37 (hg19) VCF-style: chrX-153049790-C-G.
Other names: c.1186C>G, p.Pro396Ala (NM_001170760.2); c.1087C>G, p.Pro363Ala (NM_001170761.2); short protein forms P363A, P396A, P397A.
Identifiers: ClinVar variation 3777423 (VCV003777423.1).

ClinVar aggregate classification (germline): Uncertain significance (1 of 4 stars; one submission).

gnomAD v4.1: 8 of 1,211,423 alleles (0.00066%); highest among the groups gnomAD compares: Non-Finnish European, 0.00089%; no homozygotes.

Submission:

GeneDx
Classification: Uncertain significance. Last evaluated: 2024-10-05. Review status: criteria provided, single submitter. Criteria: GeneDx Variant Classification Process June 2021. Collection method: clinical testing. Allele origin: germline. Affected: yes.
Comment: Not observed at significant frequency in large population cohorts (gnomAD); In silico analysis supports that this missense variant has a deleterious effect on protein structure/function; Has not been previously published as pathogenic or benign to our knowledge; Variants in candidate genes are classified as variants of uncertain significance in accordance with ACMG guidelines (PMID: 25741868)